The following is an entry in ClinVar:

NM_020365.5(EIF2B3):c.670A>G (p.Ile224Val)

Gene: EIF2B3 (eukaryotic translation initiation factor 2B subunit gamma; minus strand). Cytogenetic location: 1p34.1.
Variant type: single nucleotide variant.
Coding change: c.670A>G on transcript NM_020365.5 (MANE Select); coding-DNA position 670, A replaced by G.
Protein change: p.Ile224Val; replaces isoleucine 224 with valine.
Molecular consequence: missense variant.
Genome position (GRCh38, 1-based): chr1:44,881,726, T>C on the plus strand (A>G on the coding strand, the complement: EIF2B3 is on the minus strand). VCF-style: chr1-44881726-T-C. GRCh37 (hg19) VCF-style: chr1-45347398-T-C.
Other names: c.670A>G, p.Ile224Val (NM_001166588.3, NM_001261418.2); short protein forms I224V.
Identifiers: ClinVar variation 1509923 (VCV001509923.8), dbSNP rs2148905871, ClinGen allele CA340120361.

ClinVar aggregate classification (germline): Uncertain significance (1 of 4 stars; one submission).

Submission:

Labcorp Genetics (formerly Invitae), Labcorp
Classification: Uncertain significance. Last evaluated: 2021-05-29. Review status: criteria provided, single submitter. Criteria: Invitae Variant Classification Sherloc (09022015). Collection method: clinical testing. Allele origin: germline.
Comment: In summary, the available evidence is currently insufficient to determine the role of this variant in disease. Therefore, it has been classified as a Variant of Uncertain Significance. Algorithms developed to predict the effect of missense changes on protein structure and function output the following: SIFT: "Tolerated"; PolyPhen-2: "Benign"; Align-GVGD: "Class C0". The valine amino acid residue is found in multiple mammalian species, suggesting that this missense change does not adversely affect protein function. These predictions have not been confirmed by published functional studies and their clinical significance is uncertain. This variant has not been reported in the literature in individuals with EIF2B3-related conditions. This variant is not present in population databases (ExAC no frequency). This sequence change replaces isoleucine with valine at codon 224 of the EIF2B3 protein (p.Ile224Val). The isoleucine residue is moderately conserved and there is a small physicochemical difference between isoleucine and valine.